The following is an entry in ClinVar:

NM_031206.7(LAS1L):c.320G>A (p.Gly107Asp)

Gene: LAS1L (LAS1 like ribosome biogenesis factor; minus strand). Cytogenetic location: Xq12.
Variant type: single nucleotide variant.
Coding change: c.320G>A on transcript NM_031206.7 (MANE Select); coding-DNA position 320, G replaced by A.
Protein change: p.Gly107Asp; replaces glycine 107 with aspartic acid.
Molecular consequence: missense variant. On other transcripts: non-coding transcript variant (1), intron variant (1), 5 prime UTR variant (1).
Genome position (GRCh38, 1-based): chrX:65,533,652, C>T on the plus strand (G>A on the coding strand, the complement: LAS1L is on the minus strand). VCF-style: chrX-65533652-C-T. GRCh37 (hg19) VCF-style: chrX-64753532-C-T.
Other names: c.320G>A, p.Gly107Asp (NM_001375336.1, NM_001375337.1, NM_001170649.2 and 7 more transcripts); c.236+828G>A (NM_001170650.2); c.-477G>A (NM_001375332.1); short protein forms G107D.
Identifiers: ClinVar variation 1193682 (VCV001193682.11), dbSNP rs2069620231, ClinGen allele CA413320549.

ClinVar aggregate classification (germline): Uncertain significance. Review status: criteria provided, multiple submitters, no conflicts (2 of 4 stars). 2 submissions from 2 submitters: Uncertain significance (2). Last evaluated 2026-10-03.

Conditions:
Wilson-Turner syndrome (WTS). Also called: MENTAL RETARDATION, X-LINKED, SYNDROMIC 6; INTELLECTUAL DEVELOPMENTAL DISORDER, X-LINKED, SYNDROMIC, WILSON-TURNER TYPE. Identifiers: Orphanet 3459, MedGen C1839736, MONDO:0010665, OMIM 309585.

Allele frequency attached by ClinVar (database versions not stated): gnomAD exomes below 0.00001.

Submissions (2):

GeneDx
Classification: Uncertain significance. Last evaluated: 2026-10-03. Review status: criteria provided, single submitter. Criteria: GeneDx Variant Classification Process June 2021. Collection method: clinical testing. Allele origin: germline.
Comment: Not observed at significant frequency in large population cohorts (gnomAD); In silico analysis suggests that this missense variant does not alter protein structure/function; Has not been previously published as pathogenic or benign to our knowledge

Labcorp Genetics (formerly Invitae), Labcorp
Classification: Uncertain significance for Wilson-Turner syndrome. Last evaluated: 2021-03-02. Review status: criteria provided, single submitter. Criteria: Invitae Variant Classification Sherloc (09022015). Collection method: clinical testing. Allele origin: germline.
Comment: This sequence change replaces glycine with aspartic acid at codon 107 of the LAS1L protein (p.Gly107Asp). The glycine residue is moderately conserved and there is a moderate physicochemical difference between glycine and aspartic acid. This variant is not present in population databases (ExAC no frequency). This variant has not been reported in the literature in individuals with LAS1L-related conditions. Algorithms developed to predict the effect of missense changes on protein structure and function are either unavailable or do not agree on the potential impact of this missense change (SIFT: "Tolerated"; PolyPhen-2: "Possibly Damaging"; Align-GVGD: "Class C0"). In summary, the available evidence is currently insufficient to determine the role of this variant in disease. Therefore, it has been classified as a Variant of Uncertain Significance.